The following is an entry in ClinVar:

NM_006493.4(CLN5):c.563C>T (p.Ser188Leu)

Gene: CLN5 (CLN5 lysosomal BMP synthase; plus strand). Cytogenetic location: 13q22.3.
Variant type: single nucleotide variant.
Coding change: c.563C>T on transcript NM_006493.4 (MANE Select); coding-DNA position 563, C replaced by T.
Protein change: p.Ser188Leu; replaces serine 188 with leucine.
Molecular consequence: missense variant.
Genome position (GRCh38, 1-based): chr13:76,996,125, C>T. VCF-style: chr13-76996125-C-T. GRCh37 (hg19) VCF-style: chr13-77570260-C-T.
Other names: c.563C>T, p.Ser188Leu (NM_001366624.2); short protein forms S188L, S237L.
Identifiers: ClinVar variation 1931668 (VCV001931668.5), dbSNP rs2501141004, ClinGen allele CA388309590.

ClinVar aggregate classification (germline): Uncertain significance (1 of 4 stars; one submission).

Conditions:
Neuronal ceroid lipofuscinosis. Also called: Neuronal Ceroid Lipofuscinoses. Identifiers: Orphanet 216, Orphanet 79263, MedGen C0027877, MONDO:0016295. Disease mechanism: loss of function.

Submission:

Labcorp Genetics (formerly Invitae), Labcorp
Classification: Uncertain significance for Neuronal ceroid lipofuscinosis. Last evaluated: 2022-05-27. Review status: criteria provided, single submitter. Criteria: Invitae Variant Classification Sherloc (09022015). Collection method: clinical testing. Allele origin: germline.
Comment: This sequence change replaces serine, which is neutral and polar, with leucine, which is neutral and non-polar, at codon 237 of the CLN5 protein (p.Ser237Leu). This variant is not present in population databases (gnomAD no frequency). This variant has not been reported in the literature in individuals affected with CLN5-related conditions. Algorithms developed to predict the effect of missense changes on protein structure and function (SIFT, PolyPhen-2, Align-GVGD) all suggest that this variant is likely to be disruptive. In summary, the available evidence is currently insufficient to determine the role of this variant in disease. Therefore, it has been classified as a Variant of Uncertain Significance.